The following is an entry in ClinVar:

NM_018297.4(NGLY1):c.1117C>T (p.Leu373Phe)

Gene: NGLY1 (N-glycanase 1; minus strand). Cytogenetic location: 3p24.2.
Variant type: single nucleotide variant.
Coding change: c.1117C>T on transcript NM_018297.4 (MANE Select); coding-DNA position 1117, C replaced by T.
Protein change: p.Leu373Phe; replaces leucine 373 with phenylalanine.
Molecular consequence: missense variant. On other transcripts: intron variant (1).
Genome position (GRCh38, 1-based): chr3:25,736,036, G>A on the plus strand (C>T on the coding strand, the complement: NGLY1 is on the minus strand). VCF-style: chr3-25736036-G-A. GRCh37 (hg19) VCF-style: chr3-25777527-G-A.
Other names: c.991C>T, p.Leu331Phe (NM_001145294.2); c.1117C>T, p.Leu373Phe (NM_001145295.2); c.1095+273C>T (NM_001145293.2); short protein forms L331F, L373F.
Identifiers: ClinVar variation 3764437 (VCV003764437.1).

ClinVar aggregate classification (germline): Uncertain significance (1 of 4 stars; one submission).

gnomAD v4.1: 2 of 1,613,758 alleles (0.00012%); highest among the groups gnomAD compares: Non-Finnish European, 0.00017%; no homozygotes.

Submission:

GeneDx
Classification: Uncertain significance. Last evaluated: 2024-08-22. Review status: criteria provided, single submitter. Criteria: GeneDx Variant Classification Process June 2021. Collection method: clinical testing. Allele origin: germline. Affected: yes.
Comment: Not observed at significant frequency in large population cohorts (gnomAD); In silico analysis supports that this missense variant has a deleterious effect on protein structure/function; Has not been previously published as pathogenic or benign to our knowledge